The following is an entry in ClinVar:

ClinVar aggregate classification (germline): Uncertain significance (1 of 4 stars; one submission).

Submission:

Labcorp Genetics (formerly Invitae), Labcorp
Classification: Uncertain significance. Last evaluated: 2023-11-18. Review status: criteria provided, single submitter. Criteria: Invitae Variant Classification Sherloc (09022015). Collection method: clinical testing. Allele origin: germline.
Comment: This variant is a gross deletion of the genomic region encompassing exon(s) 1 of the LIPC gene, which includes the initiator codon. This deletion extends beyond the assayed region for this gene and therefore may encompass additional genes. It is expected to result in an absent or disrupted protein product. However, the current clinical and genetic evidence is not sufficient to establish whether loss-of-function variants in LIPC cause disease. A similar copy number variant has been observed in individual(s) with clinical features of LIPC-related conditions (PMID: 35204909). In summary, the available evidence is currently insufficient to determine the role of this variant in disease. Therefore, it has been classified as a Variant of Uncertain Significance.

Literature cited by the submitters: PubMed 35204909.

NC_000015.9:g.(?_58724232)_(58724339_?)del

Gene: LIPC (lipase C, hepatic type; plus strand). Cytogenetic location: 15q21.3.
Variant type: Deletion.
Identifiers: ClinVar variation 1510218 (VCV001510218.6).